The following is an entry in ClinVar:

NM_000548.5(TSC2):c.4005+4_4005+7dup

Gene: TSC2 (TSC complex subunit 2; plus strand). Cytogenetic location: 16p13.3.
Variant type: Duplication.
Coding change: c.4005+4_4005+7dup on transcript NM_000548.5 (MANE Select); bases 4 to 7 of the intron after coding-DNA position 4005, 4 bases duplicated (AGTG; older notation c.4005+4_4005+7dupAGTG).
Molecular consequence: splice donor variant.
Genome position (GRCh38, 1-based): chr16:2,083,820-2,083,823, AGTG duplicated; duplicating any 4 consecutive bases within chr16:2,083,817-2,083,823 gives the same sequence; the c. name uses the placement nearest the transcript's 3' end. VCF-style (leftmost placement, unchanged base first): chr16-2083816-G-GGTGA. GRCh37 (hg19) VCF-style: chr16-2133817-G-GGTGA.
Other names: c.4005+4_4005+7dupAGTG (NM_000548.3); c.3936+4_3936+7dup (NM_001114382.3); c.3876+4_3876+7dup (NM_021055.3, NM_001370405.1); c.3807+4_3807+7dup (NM_001363528.2); c.3873+4_3873+7dup (NM_001370404.1); c.3804+4_3804+7dup (NM_001077183.3); c.3696+4_3696+7dup (NM_001318827.2); c.3273+4_3273+7dup (NM_001318831.2); and 2 more.
Identifiers: ClinVar variation 207793 (VCV000207793.13), dbSNP rs796053519, ClinGen allele CA319609.

ClinVar aggregate classification (germline): Conflicting classifications of pathogenicity. Review status: criteria provided, conflicting classifications (1 of 4 stars). 5 submissions from 5 submitters: Uncertain significance (2); Likely benign (3). Last evaluated 2024-05-20.

Conditions:
Tuberous sclerosis 2 (TSC2). Identifiers: Orphanet 805, MedGen C1860707, MONDO:0013199, OMIM 613254.
Hereditary cancer-predisposing syndrome. Also called: Neoplastic Syndromes, Hereditary; Hereditary Cancer Syndrome; Tumor predisposition; Hereditary neoplastic syndrome. Identifiers: Orphanet 140162, MedGen C0027672, MeSH D009386, MONDO:0015356.
Isolated focal cortical dysplasia type II (FCORD2). Also called: CORTICAL DYSPLASIA OF TAYLOR; Focal cortical dysplasia type II. Identifiers: Orphanet 268994, MedGen C1846385, MONDO:0011818, OMIM 607341, HP:0032051.

Submissions (5):

Ambry Genetics
Classification: Likely benign for Hereditary cancer-predisposing syndrome. Last evaluated: 2024-05-20. Review status: criteria provided, single submitter. Criteria: Ambry Variant Classification Scheme 2023. Collection method: clinical testing. Allele origin: germline.

Labcorp Genetics (formerly Invitae), Labcorp
Classification: Likely benign for Tuberous sclerosis 2. Last evaluated: 2023-08-19. Review status: criteria provided, single submitter. Criteria: Invitae Variant Classification Sherloc (09022015). Collection method: clinical testing. Allele origin: germline.

Baylor Genetics
Classification: Uncertain significance for Isolated focal cortical dysplasia type II. Last evaluated: 2023-05-05. Review status: criteria provided, single submitter. Criteria: ACMG Guidelines, 2015. Collection method: clinical testing. Allele origin: unknown.

Genome-Nilou Lab
Classification: Likely benign for Tuberous sclerosis 2. Last evaluated: 2021-11-07. Review status: criteria provided, single submitter. Criteria: ACMG Guidelines, 2015. Collection method: clinical testing. Allele origin: germline. Affected: no.

GeneDx
Classification: Uncertain significance. Last evaluated: 2014-09-24. Review status: criteria provided, single submitter. Criteria: GeneDx Variant Classification (06012015). Collection method: clinical testing. Allele origin: germline. Affected: yes.
Comment: c.4005+4_4005+7dupAGTG: IVS33+4_IVS33+7dupAGTG in intron 33 of the TSC2 gene (NM_000548.3) c.4005+4_4005+7dupAGTG variant has not been published as a mutation, nor has it been reported as a benign polymorphism to our knowledge. The c.4005+4_4005+7dupAGTG variant was not observed in approximately 6,500 individuals of European and African American ancestry in the NHLBI Exome Sequencing Project, indicating it is not a common benign variant in these populations. Several in-silico splice prediction models predict that c.4005+4_4005+7dupAGTG creates a cryptic donor site which may supplant the natural donor site and lead to abnormal gene splicing. However, in the absence of RNA/functional studies, the actual effect of this sequence change is unknown. Therefore, based on the currently available information, it is unclear whether this variant is a pathogenic mutation or a rare benign variant. The variant is found in EPILEPSY panel(s).